The following is an entry in ClinVar:

NM_004006.3(DMD):c.8368del (p.Arg2790fs)

Gene: DMD (dystrophin; minus strand). Cytogenetic location: Xp21.1.
Variant type: Deletion.
Coding change: c.8368del on transcript NM_004006.3 (MANE Select); coding-DNA position 8368, one base deleted (C; older notation c.8368delC).
Protein change: p.Arg2790fs; shifts the reading frame from arginine 2790.
Molecular consequence: frameshift variant.
Genome position (GRCh38, 1-based): chrX:31,507,303, G deleted on the plus strand (C on the coding strand, the reverse complement: DMD is on the minus strand). VCF-style (leftmost placement, unchanged base first): chrX-31507302-CG-C. GRCh37 (hg19) VCF-style: chrX-31525419-CG-C.
Other names: c.8368del (NM_004006.2); c.8344del, p.Arg2782fs (NM_000109.4); c.8368delC, p.Arg2790Glyfs (NM_004006.2); c.8356del, p.Arg2786fs (NM_004009.3); c.7999del, p.Arg2667fs (NM_004010.3); c.4345del, p.Arg1449fs (NM_004011.4); c.4336del, p.Arg1446fs (NM_004012.4); c.988del, p.Arg330fs (NM_004013.3, NM_004020.4, NM_004021.3 and 2 more transcripts); and 1 more; short protein forms R1446fs, R1449fs, R2782fs, R2786fs, R2790fs, R2667fs, R330fs, R61fs.
Identifiers: ClinVar variation 2825330 (VCV002825330.4), dbSNP rs2525968808, ClinGen allele CA2739268131.
Genomic context (GRCh38, chrX:31,507,302, plus strand): 5'-AATTCATTTGTGGCCTTTTTGCTCCACATCTTTTCCTACCTAATGTTGAGAGACTTTTTC[CG>C]AAGTTCACTCCACTTGAAGTTCATGTTATCCAAACGTCTTTGTAACAGGACTGCATCATC-3'

ClinVar aggregate classification (germline): Pathogenic/Likely pathogenic. Review status: criteria provided, multiple submitters, no conflicts (2 of 4 stars). 2 submissions from 2 submitters: Pathogenic (1); Likely pathogenic (1). Last evaluated 2024-04-15.

Conditions:
Duchenne muscular dystrophy (DMD). Also called: MUSCULAR DYSTROPHY, PSEUDOHYPERTROPHIC PROGRESSIVE, DUCHENNE TYPE; Duchenne Muscular Dystrophy (DMD). Identifiers: Orphanet 98896, MedGen C0013264, MONDO:0010679, OMIM 310200.

Submissions (2):

Revvity Omics, Revvity
Classification: Likely pathogenic. Last evaluated: 2024-04-15. Review status: criteria provided, single submitter. Criteria: ACMG Guidelines, 2015. Collection method: clinical testing. Allele origin: germline.

Labcorp Genetics (formerly Invitae), Labcorp
Classification: Pathogenic for Duchenne muscular dystrophy. Last evaluated: 2022-12-31. Review status: criteria provided, single submitter. Criteria: Invitae Variant Classification Sherloc (09022015). Collection method: clinical testing. Allele origin: germline.
Comment: This sequence change creates a premature translational stop signal (p.Arg2790Glyfs*34) in the DMD gene. It is expected to result in an absent or disrupted protein product. Loss-of-function variants in DMD are known to be pathogenic (PMID: 16770791, 25007885). For these reasons, this variant has been classified as Pathogenic. This variant has not been reported in the literature in individuals affected with DMD-related conditions. This variant is not present in population databases (gnomAD no frequency).

Literature cited by the submitters: PubMed 16770791 (cited by Labcorp Genetics (formerly Invitae), Labcorp); PubMed 25007885 (cited by Labcorp Genetics (formerly Invitae), Labcorp).